The following is an entry in ClinVar:

ClinVar aggregate classification (germline): Uncertain significance. Review status: criteria provided, multiple submitters, no conflicts (2 of 4 stars). 2 submissions from 2 submitters: Uncertain significance (2). Last evaluated 2025-11-20.

Conditions:
Catecholaminergic polymorphic ventricular tachycardia 1. Also called: VENTRICULAR TACHYCARDIA, CATECHOLAMINERGIC POLYMORPHIC, 1, WITH OR WITHOUT ATRIAL DYSFUNCTION AND/OR DILATED CARDIOMYOPATHY; VENTRICULAR TACHYCARDIA, STRESS-INDUCED POLYMORPHIC 1; RYR2-Related Catecholaminergic Polymorphic Ventricular Tachycardia. Identifiers: Orphanet 3286, MedGen C1631597, MONDO:0011484, OMIM 604772.
Cardiovascular phenotype. Identifiers: MedGen CN230736.

gnomAD v4.1: 6 of 1,607,178 alleles (0.00037%); highest among the groups gnomAD compares: East Asian, 0.0022%; no homozygotes.

Submissions (2):

Ambry Genetics
Classification: Uncertain significance for Cardiovascular phenotype. Last evaluated: 2025-11-20. Review status: criteria provided, single submitter. Criteria: Ambry Variant Classification Scheme 2023. Collection method: clinical testing. Allele origin: germline.
Comment: The p.G3164D variant (also known as c.9491G>A), located in coding exon 67 of the RYR2 gene, results from a G to A substitution at nucleotide position 9491. The glycine at codon 3164 is replaced by aspartic acid, an amino acid with similar properties. This amino acid position is not well conserved in available vertebrate species. In addition, the in silico prediction for this alteration is inconclusive. Based on the available evidence, the clinical significance of this variant remains unclear.

Labcorp Genetics (formerly Invitae), Labcorp
Classification: Uncertain significance for Catecholaminergic polymorphic ventricular tachycardia 1. Last evaluated: 2025-02-05. Review status: criteria provided, single submitter. Criteria: Invitae Variant Classification Sherloc (09022015). Collection method: clinical testing. Allele origin: germline.
Comment: This sequence change replaces glycine, which is neutral and non-polar, with aspartic acid, which is acidic and polar, at codon 3164 of the RYR2 protein (p.Gly3164Asp). This variant is not present in population databases (gnomAD no frequency). This variant has not been reported in the literature in individuals affected with RYR2-related conditions. Invitae Evidence Modeling of protein sequence and biophysical properties (such as structural, functional, and spatial information, amino acid conservation, physicochemical variation, residue mobility, and thermodynamic stability) indicates that this missense variant is not expected to disrupt RYR2 protein function with a negative predictive value of 95%. In summary, the available evidence is currently insufficient to determine the role of this variant in disease. Therefore, it has been classified as a Variant of Uncertain Significance.

NM_001035.3(RYR2):c.9491G>A (p.Gly3164Asp)

Gene: RYR2 (ryanodine receptor 2; plus strand). Cytogenetic location: 1q43.
Variant type: single nucleotide variant.
Coding change: c.9491G>A on transcript NM_001035.3 (MANE Select); coding-DNA position 9491, G replaced by A.
Protein change: p.Gly3164Asp; replaces glycine 3164 with aspartic acid.
Molecular consequence: missense variant.
Genome position (GRCh38, 1-based): chr1:237,705,254, G>A. VCF-style: chr1-237705254-G-A. GRCh37 (hg19) VCF-style: chr1-237868554-G-A.
Other names: c.9491G>A (NM_001035.2); short protein forms G3164D.
Identifiers: ClinVar variation 3667188 (VCV003667188.3).